The following is an entry in ClinVar:

ClinVar aggregate classification (germline): Uncertain significance. Review status: criteria provided, multiple submitters, no conflicts (2 of 4 stars). 2 submissions from 2 submitters: Uncertain significance (2). Last evaluated 2024-03-06.

Conditions:
Hereditary cancer-predisposing syndrome. Also called: Neoplastic Syndromes, Hereditary; Hereditary Cancer Syndrome; Tumor predisposition; Hereditary neoplastic syndrome. Identifiers: Orphanet 140162, MedGen C0027672, MeSH D009386, MONDO:0015356.
Ataxia-telangiectasia syndrome (AT). Also called: Ataxia-telangiectasia, complementation group D; AT, COMPLEMENTATION GROUP C; Cerebello-oculocutaneous telangiectasia; Immunodeficiency with ataxia telangiectasia; Ataxia-telangiectasia, complementation group E; LOUIS-BAR SYNDROME. Identifiers: Orphanet 100, MedGen C0004135, MONDO:0008840, OMIM 208900.

gnomAD v4.1: 1 of 1,613,608 alleles (0.000062%); highest among the groups gnomAD compares: Non-Finnish European, 0.000085%; no homozygotes.

Submissions (2):

Labcorp Genetics (formerly Invitae), Labcorp
Classification: Uncertain significance for Ataxia-telangiectasia syndrome. Last evaluated: 2024-03-06. Review status: criteria provided, single submitter. Criteria: Invitae Variant Classification Sherloc (09022015). Collection method: clinical testing. Allele origin: germline.
Comment: This sequence change replaces arginine, which is basic and polar, with serine, which is neutral and polar, at codon 32 of the ATM protein (p.Arg32Ser). This variant is not present in population databases (gnomAD no frequency). This variant has not been reported in the literature in individuals affected with ATM-related conditions. ClinVar contains an entry for this variant (Variation ID: 1468752). Advanced modeling of protein sequence and biophysical properties (such as structural, functional, and spatial information, amino acid conservation, physicochemical variation, residue mobility, and thermodynamic stability) performed at Invitae indicates that this missense variant is not expected to disrupt ATM protein function with a negative predictive value of 95%. In summary, the available evidence is currently insufficient to determine the role of this variant in disease. Therefore, it has been classified as a Variant of Uncertain Significance.

Ambry Genetics
Classification: Uncertain significance for Hereditary cancer-predisposing syndrome. Last evaluated: 2022-11-03. Review status: criteria provided, single submitter. Criteria: Ambry Variant Classification Scheme 2023. Collection method: clinical testing. Allele origin: germline.
Comment: The p.R32S variant (also known as c.94C>A), located in coding exon 2 of the ATM gene, results from a C to A substitution at nucleotide position 94. The arginine at codon 32 is replaced by serine, an amino acid with dissimilar properties. This amino acid position is well conserved in available vertebrate species. In addition, this alteration is predicted to be tolerated by in silico analysis. Since supporting evidence is limited at this time, the clinical significance of this alteration remains unclear.

NM_000051.4(ATM):c.94C>A (p.Arg32Ser)

Gene: ATM (ATM serine/threonine kinase; plus strand). Cytogenetic location: 11q22.3.
Variant type: single nucleotide variant.
Coding change: c.94C>A on transcript NM_000051.4 (MANE Select); coding-DNA position 94, C replaced by A.
Protein change: p.Arg32Ser; replaces arginine 32 with serine.
Molecular consequence: missense variant.
Genome position (GRCh38, 1-based): chr11:108,227,797, C>A. VCF-style: chr11-108227797-C-A. GRCh37 (hg19) VCF-style: chr11-108098524-C-A.
Other names: c.94C>A, p.Arg32Ser (NM_001351834.2, NM_001351835.2, NM_001351836.2); c.94C>A (NM_000051.3); short protein forms R32S.
Identifiers: ClinVar variation 1468752 (VCV001468752.10), dbSNP rs148061139, ClinGen allele CA382519654.